The following is an entry in ClinVar:

ClinVar aggregate classification (germline): Uncertain significance (1 of 4 stars; one submission).

Submission:

GeneDx
Classification: Uncertain significance. Last evaluated: 2025-08-04. Review status: criteria provided, single submitter. Criteria: GeneDx Variant Classification Process June 2021. Collection method: clinical testing. Allele origin: germline. Affected: yes.
Comment: Not observed at significant frequency in large population cohorts (gnomAD); In silico analysis suggests that this missense variant does not alter protein structure/function; This substitution is predicted to be within the C-terminal cytoplasmic domain; Has not been previously published as pathogenic or benign to our knowledge

NM_172107.4(KCNQ2):c.1808A>T (p.Asp603Val)

Gene: KCNQ2 (potassium voltage-gated channel subfamily Q member 2; minus strand). Cytogenetic location: 20q13.33.
Variant type: single nucleotide variant.
Coding change: c.1808A>T on transcript NM_172107.4 (MANE Select); coding-DNA position 1808, A replaced by T.
Protein change: p.Asp603Val; replaces aspartic acid 603 with valine.
Molecular consequence: missense variant.
Genome position (GRCh38, 1-based): chr20:63,408,492, T>A on the plus strand (A>T on the coding strand, the complement: KCNQ2 is on the minus strand). VCF-style: chr20-63408492-T-A. GRCh37 (hg19) VCF-style: chr20-62039845-T-A.
Other names: c.1862A>T, p.Asp621Val (NM_001382235.1); c.1751A>T, p.Asp584Val (NM_001439003.1); c.1721A>T, p.Asp574Val (NM_001439004.1); c.1724A>T, p.Asp575Val (NM_004518.6); c.1754A>T, p.Asp585Val (NM_172106.3); c.1715A>T, p.Asp572Val (NM_172108.5); short protein forms D572V, D574V, D575V, D584V, D585V, D603V, D621V.
Identifiers: ClinVar variation 4756076 (VCV004756076.1).